The following is an entry in ClinVar:

NM_000551.4(VHL):c.-48C>T

Gene: VHL (von Hippel-Lindau tumor suppressor; plus strand). Cytogenetic location: 3p25.3.
Variant type: single nucleotide variant.
Coding change: c.-48C>T on transcript NM_000551.4 (MANE Select); 48 bases upstream of the start codon, C replaced by T.
Molecular consequence: 5 prime UTR variant. On other transcripts: non-coding transcript variant (1).
Genome position (GRCh38, 1-based): chr3:10,141,800, C>T. VCF-style: chr3-10141800-C-T. GRCh37 (hg19) VCF-style: chr3-10183484-C-T.
Other names: c.-48C>T (NM_001354723.2, NM_198156.3).
Identifiers: ClinVar variation 2928424 (VCV002928424.3), dbSNP rs973379327, ClinGen allele CA70041983.

ClinVar aggregate classification (germline): Uncertain significance (1 of 4 stars; one submission).

Conditions:
Chuvash polycythemia. Also called: POLYCYTHEMIA, VHL-DEPENDENT. Identifiers: Orphanet 238557, MedGen C1837915, MONDO:0009892, OMIM 263400.
Von Hippel-Lindau syndrome (VHLS). Also called: von Hippel–Lindau syndrome; VHL syndrome; Von Hippel-Lindau. Identifiers: Orphanet 892, MedGen C0019562, MONDO:0008667, OMIM 193300. Disease mechanism: loss of function.

Allele frequency attached by ClinVar (database versions not stated): gnomAD 0.00001; gnomAD exomes 0.00001; TOPMed 0.00001; 1000 Genomes Project 30x 0.00016.
gnomAD v4.1: 9 of 1,534,268 alleles (0.00059%); highest among the groups gnomAD compares: Admixed American, 0.002%; no homozygotes.

Submission:

Labcorp Genetics (formerly Invitae), Labcorp
Classification: Uncertain significance for Von Hippel-Lindau syndrome; Chuvash polycythemia. Last evaluated: 2025-10-15. Review status: criteria provided, single submitter. Criteria: Invitae Variant Classification Sherloc (09022015). Collection method: clinical testing. Allele origin: germline.
Comment: This variant occurs in a non-coding region of the VHL gene. It does not change the encoded amino acid sequence of the VHL protein. This variant is not present in population databases (gnomAD no frequency). This variant has not been reported in the literature in individuals affected with VHL-related conditions. ClinVar contains an entry for this variant (Variation ID: 2928424). Experimental studies and prediction algorithms are not available or were not evaluated, and the functional significance of this variant is currently unknown. In summary, the available evidence is currently insufficient to determine the role of this variant in disease. Therefore, it has been classified as a Variant of Uncertain Significance.